The following is an entry in ClinVar:

NM_000053.4(ATP7B):c.3874A>G (p.Ile1292Val)

Gene: ATP7B (ATPase copper transporting beta; minus strand). Cytogenetic location: 13q14.3.
Variant type: single nucleotide variant.
Coding change: c.3874A>G on transcript NM_000053.4 (MANE Select); coding-DNA position 3874, A replaced by G.
Protein change: p.Ile1292Val; replaces isoleucine 1292 with valine.
Molecular consequence: missense variant.
Genome position (GRCh38, 1-based): chr13:51,937,505, T>C on the plus strand (A>G on the coding strand, the complement: ATP7B is on the minus strand). VCF-style: chr13-51937505-T-C. GRCh37 (hg19) VCF-style: chr13-52511641-T-C.
Other names: c.3253A>G, p.Ile1085Val (NM_001005918.3); c.3541A>G, p.Ile1181Val (NM_001243182.2); c.3640A>G, p.Ile1214Val (NM_001330578.2); c.3622A>G, p.Ile1208Val (NM_001330579.2); short protein forms I1208V, I1085V, I1292V, I1181V, I1214V.
Identifiers: ClinVar variation 881761 (VCV000881761.13), dbSNP rs200718740, ClinGen allele CA6988553.

ClinVar aggregate classification (germline): Uncertain significance. Review status: criteria provided, multiple submitters, no conflicts (2 of 4 stars). 5 submissions from 5 submitters: Uncertain significance (5). Last evaluated 2026-03-01.

Conditions:
Wilson disease (WND). Also called: Wilson's disease. Identifiers: Orphanet 905, MedGen C0019202, MONDO:0010200, OMIM 277900. Disease mechanism: loss of function.

Allele frequency attached by ClinVar (database versions not stated): ExAC 0.00001; gnomAD 0.00001; gnomAD exomes 0.00001 and 0.00003; TOPMed 0.00003.
gnomAD v4.1: 44 of 1,613,958 alleles (0.0027%); highest among the groups gnomAD compares: Non-Finnish European, 0.0035%; no homozygotes.

Submissions (5):

CeGaT Center for Human Genetics Tuebingen
Classification: Uncertain significance. Last evaluated: 2026-03-01. Review status: criteria provided, single submitter. Criteria: CeGaT Center For Human Genetics Tuebingen Variant Classification Criteria Version 2. Collection method: clinical testing. Allele origin: germline. Affected: yes. Observed: 1 variant allele.
Comment: ATP7B: PM2, PM1:Supporting

Labcorp Genetics (formerly Invitae), Labcorp
Classification: Uncertain significance for Wilson disease. Last evaluated: 2025-11-24. Review status: criteria provided, single submitter. Criteria: Invitae Variant Classification Sherloc (09022015). Collection method: clinical testing. Allele origin: germline.
Comment: This sequence change replaces isoleucine, which is neutral and non-polar, with valine, which is neutral and non-polar, at codon 1292 of the ATP7B protein (p.Ile1292Val). This variant is present in population databases (rs200718740, gnomAD 0.002%). This variant has not been reported in the literature in individuals affected with ATP7B-related conditions. ClinVar contains an entry for this variant (Variation ID: 881761). Invitae Evidence Modeling of protein sequence and biophysical properties (such as structural, functional, and spatial information, amino acid conservation, physicochemical variation, residue mobility, and thermodynamic stability) indicates that this missense variant is not expected to disrupt ATP7B protein function with a negative predictive value of 80%. In summary, the available evidence is currently insufficient to determine the role of this variant in disease. Therefore, it has been classified as a Variant of Uncertain Significance.

All of Us Research Program, National Institutes of Health
Classification: Uncertain significance for Wilson disease. Last evaluated: 2023-12-01. Review status: criteria provided, single submitter. Criteria: ACMG Guidelines, 2015. Collection method: clinical testing. Allele origin: germline. Inheritance: Autosomal recessive inheritance. Observed: 9 variant alleles, 9 heterozygotes.
Comment: This missense variant replaces isoleucine with valine at codon 1292 of the ATP7B protein. Computational prediction suggests that this variant may have deleterious impact on protein structure and function (internally defined REVEL score threshold >= 0.7, PMID: 27666373). To our knowledge, functional studies have not been reported for this variant. This variant has not been reported in individuals affected with Wilson disease in the literature. This variant has been identified in 2/249518 chromosomes in the general population by the Genome Aggregation Database (gnomAD). The available evidence is insufficient to determine the role of this variant in disease conclusively. Therefore, this variant is classified as a Variant of Uncertain Significance.

This study involves interpretation of variants in research participants for the purpose of population health screening. Participant phenotype was not available at the time of variant classification. Additional details can be found in publication PMID: 35346344, PMCID: PMC8962531

Color Diagnostics, LLC DBA Color Health
Classification: Uncertain significance for Wilson disease. Last evaluated: 2022-09-14. Review status: criteria provided, single submitter. Criteria: ACMG Guidelines, 2015. Collection method: clinical testing. Allele origin: germline.
Comment: This missense variant replaces isoleucine with valine at codon 1292 of the ATP7B protein. Computational prediction suggests that this variant may have deleterious impact on protein structure and function (internally defined REVEL score threshold >= 0.7, PMID: 27666373). To our knowledge, functional studies have not been reported for this variant. This variant has not been reported in individuals affected with Wilson disease in the literature. This variant has been identified in 2/249518 chromosomes in the general population by the Genome Aggregation Database (gnomAD). The available evidence is insufficient to determine the role of this variant in disease conclusively. Therefore, this variant is classified as a Variant of Uncertain Significance.

Illumina Laboratory Services, Illumina
Classification: Uncertain significance for Wilson disease. Last evaluated: 2018-01-13. Review status: criteria provided, single submitter. Criteria: ICSL Variant Classification Criteria 13 December 2019. Collection method: clinical testing. Allele origin: germline.